The following is an entry in ClinVar:

NM_014028.4(OSTM1):c.947T>C (p.Leu316Pro)

Gene: OSTM1 (osteoclastogenesis associated transmembrane protein 1; minus strand). Cytogenetic location: 6q21.
Variant type: single nucleotide variant.
Coding change: c.947T>C on transcript NM_014028.4 (MANE Select); coding-DNA position 947, T replaced by C.
Protein change: p.Leu316Pro; replaces leucine 316 with proline.
Molecular consequence: missense variant.
Genome position (GRCh38, 1-based): chr6:108,049,255, A>G on the plus strand (T>C on the coding strand, the complement: OSTM1 is on the minus strand). VCF-style: chr6-108049255-A-G. GRCh37 (hg19) VCF-style: chr6-108370459-A-G.
Other names: short protein forms L316P.
Identifiers: ClinVar variation 2131297 (VCV002131297.4), dbSNP rs2482164961, ClinGen allele CA365326866.
Genomic context (GRCh38, chr6:108,049,255, plus strand): 5'-CCTAAATTTTTAAAATACAGGCTTTTATCTATAAAATAAATAATTGTAAAAAACTTACGC[A>G]GAATGAGTTTGCGTTTCTTTTGCTCTGAGTGAAGAAAGCTACTAAGGTAGAAGACAACAG-3'
Protein context (NP_054747.2, residues 306-326): HSEQKKRKLI[Leu316Pro]PKRLKSSTSF

ClinVar aggregate classification (germline): Uncertain significance (1 of 4 stars; one submission).

Allele frequency attached by ClinVar (database versions not stated): gnomAD exomes below 0.00001.
gnomAD v4.1: 1 of 1,606,020 alleles (0.000062%); highest among the groups gnomAD compares: Non-Finnish European, 0.000085%; no homozygotes.

Submission:

Labcorp Genetics (formerly Invitae), Labcorp
Classification: Uncertain significance. Last evaluated: 2022-05-11. Review status: criteria provided, single submitter. Criteria: Invitae Variant Classification Sherloc (09022015). Collection method: clinical testing. Allele origin: germline.
Comment: This sequence change replaces leucine, which is neutral and non-polar, with proline, which is neutral and non-polar, at codon 316 of the OSTM1 protein (p.Leu316Pro). This variant is not present in population databases (gnomAD no frequency). This variant has not been reported in the literature in individuals affected with OSTM1-related conditions. Algorithms developed to predict the effect of missense changes on protein structure and function (SIFT, PolyPhen-2, Align-GVGD) all suggest that this variant is likely to be tolerated. In summary, the available evidence is currently insufficient to determine the role of this variant in disease. Therefore, it has been classified as a Variant of Uncertain Significance.